The following is an entry in ClinVar:

ClinVar aggregate classification (germline): Uncertain significance. Review status: criteria provided, multiple submitters, no conflicts (2 of 4 stars). 2 submissions from 2 submitters: Uncertain significance (2). Last evaluated 2021-02-03.

Conditions:
Combined immunodeficiency due to LRBA deficiency. Also called: Common variable immunodeficiency 8, with autoimmunity. Identifiers: Orphanet 445018, MedGen C3553512, MONDO:0013863, OMIM 614700.

Allele frequency attached by ClinVar (database versions not stated): gnomAD 0.00001; gnomAD exomes 0.00002; TOPMed 0.00002; ExAC 0.00004.
gnomAD v4.1: 46 of 1,613,382 alleles (0.0029%); highest among the groups gnomAD compares: Non-Finnish European, 0.0038%; no homozygotes.

Submissions (2):

Labcorp Genetics (formerly Invitae), Labcorp
Classification: Uncertain significance for Combined immunodeficiency due to LRBA deficiency. Last evaluated: 2021-02-03. Review status: criteria provided, single submitter. Criteria: Invitae Variant Classification Sherloc (09022015). Collection method: clinical testing. Allele origin: germline.
Comment: Algorithms developed to predict the effect of missense changes on protein structure and function do not agree on the potential impact of this missense change (SIFT: "Tolerated"; PolyPhen-2: "Probably Damaging"; Align-GVGD: "Class C0"). This variant has not been reported in the literature in individuals with LRBA-related disease. This variant is present in population databases (rs771839194, ExAC 0.008%). This sequence change replaces cysteine with phenylalanine at codon 94 of the LRBA protein (p.Cys94Phe). The cysteine residue is weakly conserved and there is a large physicochemical difference between cysteine and phenylalanine. In summary, the available evidence is currently insufficient to determine the role of this variant in disease. Therefore, it has been classified as a Variant of Uncertain Significance.

GeneDx
Classification: Uncertain significance. Last evaluated: 2019-08-28. Review status: criteria provided, single submitter. Criteria: GeneDx Variant Classification Process June 2021. Collection method: clinical testing. Allele origin: germline. Affected: yes.
Comment: Has not been previously published as pathogenic or benign to our knowledge; In silico analysis, which includes protein predictors and evolutionary conservation, supports a deleterious effect

NM_001364905.1(LRBA):c.281G>T (p.Cys94Phe)

Gene: LRBA (LPS responsive beige-like anchor protein; minus strand). Cytogenetic location: 4q31.3.
Variant type: single nucleotide variant.
Coding change: c.281G>T on transcript NM_001364905.1 (MANE Select); coding-DNA position 281, G replaced by T.
Protein change: p.Cys94Phe; replaces cysteine 94 with phenylalanine.
Molecular consequence: missense variant.
Genome position (GRCh38, 1-based): chr4:150,929,001, C>A on the plus strand (G>T on the coding strand, the complement: LRBA is on the minus strand). VCF-style: chr4-150929001-C-A. GRCh37 (hg19) VCF-style: chr4-151850153-C-A.
Other names: c.281G>T, p.Cys94Phe (NM_001199282.3, NM_001367550.1, NM_006726.5); short protein forms C94F.
Identifiers: ClinVar variation 579134 (VCV000579134.10), dbSNP rs771839194, ClinGen allele CA3103912.